The following is an entry in ClinVar:

ClinVar aggregate classification (germline): Pathogenic (1 of 4 stars; one submission).

Conditions:
Tuberous sclerosis 2 (TSC2). Identifiers: Orphanet 805, MedGen C1860707, MONDO:0013199, OMIM 613254.

Submission:

Labcorp Genetics (formerly Invitae), Labcorp
Classification: Pathogenic for Tuberous sclerosis 2. Last evaluated: 2022-02-12. Review status: criteria provided, single submitter. Criteria: Invitae Variant Classification Sherloc (09022015). Collection method: clinical testing. Allele origin: germline.
Comment: For these reasons, this variant has been classified as Pathogenic. This variant has not been reported in the literature in individuals affected with TSC2-related conditions. This variant is not present in population databases (gnomAD no frequency). This sequence change creates a premature translational stop signal (p.His99Alafs*27) in the TSC2 gene. It is expected to result in an absent or disrupted protein product. Loss-of-function variants in TSC2 are known to be pathogenic (PMID: 10205261, 17304050).

Literature cited by the submitters: PubMed 10205261; PubMed 17304050.

NM_000548.5(TSC2):c.294dup (p.His99fs)

Gene: TSC2 (TSC complex subunit 2; plus strand). Cytogenetic location: 16p13.3.
Variant type: Duplication.
Coding change: c.294dup on transcript NM_000548.5 (MANE Select); coding-DNA position 294, one base duplicated (G; older notation c.294dupG).
Protein change: p.His99fs; shifts the reading frame from histidine 99.
Molecular consequence: frameshift variant. On other transcripts: intron variant (2).
Genome position (GRCh38, 1-based): chr16:2,053,410, G duplicated; the last of 2 consecutive G bases (chr16:2,053,409-2,053,410); duplicating either gives the same sequence. VCF-style (leftmost placement, unchanged base first): chr16-2053408-C-CG. GRCh37 (hg19) VCF-style: chr16-2103409-C-CG.
Other names: c.294dup, p.His99fs (NM_001077183.3, NM_001114382.3, NM_001363528.2 and 3 more transcripts); c.147dup, p.His50fs (NM_001318829.2); c.327dup, p.His110fs (NM_001318832.2); c.294dup, p.His99Alafs (NM_001406663.1, NM_001406664.1, NM_001406665.1 and 4 more transcripts); c.147dup, p.His50Alafs (NM_001406675.1, NM_001406676.1, NM_001406677.1 and 1 more transcripts); c.-523dup (NM_001406680.1, NM_001406683.1, NM_001406687.1); c.-152dup (NM_001406681.1); c.-1138dup (NM_001406689.1, NM_001406690.1, NM_001406691.1 and 2 more transcripts); and 6 more; short protein forms H110fs, H50fs, H99fs.
Identifiers: ClinVar variation 2097112 (VCV002097112.4), dbSNP rs2548398022, ClinGen allele CA2580090630.
Genomic context (GRCh38, chr16:2,053,408, plus strand): 5'-GTGGAAGCACTCTGGAAGGCGGTCGCGGATCTGTTGCAGCCGGAGCGGCCGCTGGAGGCC[C>CG]GGCACGCGGTGCTGGCTCTGCTGAAGGCCATCGTGCAGGGGCAGGTAAGGCCCAGGGCGA-3'